The following is an entry in ClinVar:

ClinVar aggregate classification (germline): Uncertain significance. Review status: criteria provided, multiple submitters, no conflicts (2 of 4 stars). 2 submissions from 2 submitters: Uncertain significance (2). Last evaluated 2021-11-09.

Conditions:
Hereditary cancer-predisposing syndrome. Also called: Hereditary Cancer Syndrome; Neoplastic Syndromes, Hereditary; Tumor predisposition; Hereditary neoplastic syndrome. Identifiers: Orphanet 140162, MedGen C0027672, MeSH D009386, MONDO:0015356.
Ataxia-telangiectasia syndrome (AT). Also called: Cerebello-oculocutaneous telangiectasia; Immunodeficiency with ataxia telangiectasia; Ataxia-telangiectasia, complementation group E; Ataxia-telangiectasia, complementation group D; AT, COMPLEMENTATION GROUP C; ATAXIA-TELANGIECTASIA, COMPLEMENTATION GROUP A. Identifiers: Orphanet 100, MedGen C0004135, MONDO:0008840, OMIM 208900.

Allele frequency attached by ClinVar (database versions not stated): TOPMed below 0.00001.

Submissions (2):

Ambry Genetics
Classification: Uncertain significance for Hereditary cancer-predisposing syndrome. Last evaluated: 2021-11-09. Review status: criteria provided, single submitter. Criteria: Ambry Variant Classification Scheme 2023. Collection method: clinical testing. Allele origin: germline.
Comment: The p.Y2437C variant (also known as c.7310A>G), located in coding exon 49 of the ATM gene, results from an A to G substitution at nucleotide position 7310. The tyrosine at codon 2437 is replaced by cysteine, an amino acid with highly dissimilar properties. This amino acid position is highly conserved in available vertebrate species. In addition, this alteration is predicted to be deleterious by in silico analysis. Since supporting evidence is limited at this time, the clinical significance of this alteration remains unclear.

Labcorp Genetics (formerly Invitae), Labcorp
Classification: Uncertain significance for Ataxia-telangiectasia syndrome. Last evaluated: 2021-06-06. Review status: criteria provided, single submitter. Criteria: Invitae Variant Classification Sherloc (09022015). Collection method: clinical testing. Allele origin: germline.
Comment: This sequence change replaces tyrosine with cysteine at codon 2437 of the ATM protein (p.Tyr2437Cys). The tyrosine residue is highly conserved and there is a large physicochemical difference between tyrosine and cysteine. This variant is not present in population databases (ExAC no frequency). This variant has not been reported in the literature in individuals with ATM-related conditions. ClinVar contains an entry for this variant (Variation ID: 524291). Algorithms developed to predict the effect of missense changes on protein structure and function (SIFT, PolyPhen-2, Align-GVGD) all suggest that this variant is likely to be disruptive, but these predictions have not been confirmed by published functional studies and their clinical significance is uncertain. In summary, the available evidence is currently insufficient to determine the role of this variant in disease. Therefore, it has been classified as a Variant of Uncertain Significance.

NM_000051.4(ATM):c.7310A>G (p.Tyr2437Cys)

Genes: ATM (ATM serine/threonine kinase; plus strand), C11orf65 (chromosome 11 open reading frame 65; minus strand). Cytogenetic location: 11q22.3.
Variant type: single nucleotide variant.
Coding change: c.7310A>G on transcript NM_000051.4 (MANE Select); coding-DNA position 7310, A replaced by G.
Protein change: p.Tyr2437Cys; replaces tyrosine 2437 with cysteine.
Molecular consequence: missense variant. On other transcripts: intron variant (2).
Genome position (GRCh38, 1-based): chr11:108,330,216, A>G. VCF-style: chr11-108330216-A-G. GRCh37 (hg19) VCF-style: chr11-108200943-A-G.
Other names: c.7310A>G, p.Tyr2437Cys (NM_001351834.2); c.641-21145T>C (NM_001330368.2); c.*38+5004T>C (NM_001351110.2); short protein forms Y2437C.
Identifiers: ClinVar variation 524291 (VCV000524291.11), dbSNP rs1555122944, ClinGen allele CA382559864.